The following is an entry in ClinVar:

NM_006506.5(RASA2):c.1744G>A (p.Val582Ile)

Gene: RASA2 (RAS p21 protein activator 2; plus strand). Cytogenetic location: 3q23.
Variant type: single nucleotide variant.
Coding change: c.1744G>A on transcript NM_006506.5 (MANE Select); coding-DNA position 1744, G replaced by A.
Protein change: p.Val582Ile; replaces valine 582 with isoleucine.
Molecular consequence: missense variant.
Genome position (GRCh38, 1-based): chr3:141,581,169, G>A. VCF-style: chr3-141581169-G-A. GRCh37 (hg19) VCF-style: chr3-141300011-G-A.
Other names: c.1744G>A, p.Val582Ile (NM_001303245.3, NM_001303246.3); short protein forms V582I.
Identifiers: ClinVar variation 1779259 (VCV001779259.5), dbSNP rs2478758549, ClinGen allele CA354780363.
Genomic context (GRCh38, chr3:141,581,169, plus strand): 5'-AAAGAGACATTCATGTGTGAATTTTTCAAAATGTTTCAAGAAGAAGGATATATTATAGCA[G>A]TTAAAAAGGTATGATGGTTTTATTCTGGAATTGTTAATATTTATTTCATATAACATGGGG-3'
Protein context (NP_006497.2, residues 572-592): MFQEEGYIIA[Val582Ile]KKFLDEISST

ClinVar aggregate classification (germline): Uncertain significance. Review status: criteria provided, multiple submitters, no conflicts (2 of 4 stars). 2 submissions from 2 submitters: Uncertain significance (2). Last evaluated 2023-08-24.

Submissions (2):

Labcorp Genetics (formerly Invitae), Labcorp
Classification: Uncertain significance. Last evaluated: 2023-08-24. Review status: criteria provided, single submitter. Criteria: Invitae Variant Classification Sherloc (09022015). Collection method: clinical testing. Allele origin: germline.
Comment: ClinVar contains an entry for this variant (Variation ID: 1779259). In summary, the available evidence is currently insufficient to determine the role of this variant in disease. Therefore, it has been classified as a Variant of Uncertain Significance. Advanced modeling of protein sequence and biophysical properties (such as structural, functional, and spatial information, amino acid conservation, physicochemical variation, residue mobility, and thermodynamic stability) performed at Invitae indicates that this missense variant is not expected to disrupt RASA2 protein function. This variant has not been reported in the literature in individuals affected with RASA2-related conditions. This variant is not present in population databases (gnomAD no frequency). This sequence change replaces valine, which is neutral and non-polar, with isoleucine, which is neutral and non-polar, at codon 582 of the RASA2 protein (p.Val582Ile).

Ambry Genetics
Classification: Uncertain significance. Last evaluated: 2021-11-14. Review status: criteria provided, single submitter. Criteria: Ambry Variant Classification Scheme 2023. Collection method: clinical testing. Allele origin: germline.
Comment: The p.V582I variant (also known as c.1744G>A), located in coding exon 17 of the RASA2 gene, results from a G to A substitution at nucleotide position 1744. The valine at codon 582 is replaced by isoleucine, an amino acid with highly similar properties. This amino acid position is conserved. In addition, this alteration is predicted to be tolerated by in silico analysis. Since supporting evidence is limited at this time, the clinical significance of this alteration remains unclear.